The following is an entry in ClinVar:

ClinVar aggregate classification (germline): Conflicting classifications of pathogenicity. Review status: criteria provided, conflicting classifications (1 of 4 stars). 3 submissions from 3 submitters: Uncertain significance (2); Likely benign (1). Last evaluated 2025-09-08.

Allele frequency attached by ClinVar (database versions not stated): gnomAD exomes 0.00017 and 0.00016; ExAC 0.00021; TOPMed 0.00021; gnomAD 0.00014; ESP Exome Variant Server 0.00017.
gnomAD v4.1: 248 of 1,576,070 alleles (0.016%); highest among the groups gnomAD compares: Admixed American, 0.03%; no homozygotes.

Submissions (3):

Labcorp Genetics (formerly Invitae), Labcorp
Classification: Uncertain significance. Last evaluated: 2025-09-08. Review status: criteria provided, single submitter. Criteria: Invitae Variant Classification Sherloc (09022015). Collection method: clinical testing. Allele origin: germline.
Comment: This sequence change replaces lysine, which is basic and polar, with isoleucine, which is neutral and non-polar, at codon 1393 of the TOP2B protein (p.Lys1393Ile). This variant is present in population databases (rs61751635, gnomAD 0.03%), and has an allele count higher than expected for a pathogenic variant. This variant has not been reported in the literature in individuals affected with TOP2B-related conditions. ClinVar contains an entry for this variant (Variation ID: 1420514). An algorithm developed to predict the effect of missense changes on protein structure and function (PolyPhen-2) suggests that this variant is likely to be tolerated. In summary, the available evidence is currently insufficient to determine the role of this variant in disease. Therefore, it has been classified as a Variant of Uncertain Significance.

Laboratory of Genetics, Children's Clinical University Hospital Latvia
Classification: Likely benign. Last evaluated: 2025-02-16. Review status: criteria provided, single submitter. Criteria: ACMG Guidelines, 2015. Collection method: clinical testing. Allele origin: germline. Affected: yes.

Ambry Genetics
Classification: Uncertain significance. Last evaluated: 2021-08-13. Review status: criteria provided, single submitter. Criteria: Ambry Variant Classification Scheme 2023. Collection method: clinical testing. Allele origin: germline.

NM_001330700.2(TOP2B):c.4193A>T (p.Lys1398Ile)

Gene: TOP2B (DNA topoisomerase II beta; minus strand). Cytogenetic location: 3p24.2.
Variant type: single nucleotide variant.
Coding change: c.4193A>T on transcript NM_001330700.2 (MANE Select); coding-DNA position 4193, A replaced by T.
Protein change: p.Lys1398Ile; replaces lysine 1398 with isoleucine.
Molecular consequence: missense variant.
Genome position (GRCh38, 1-based): chr3:25,607,276, T>A on the plus strand (A>T on the coding strand, the complement: TOP2B is on the minus strand). VCF-style: chr3-25607276-T-A. GRCh37 (hg19) VCF-style: chr3-25648767-T-A.
Other names: c.4178A>T (NM_001068.2); c.4178A>T, p.Lys1393Ile (NM_001068.3); short protein forms K1393I, K1398I.
Identifiers: ClinVar variation 1420514 (VCV001420514.10), dbSNP rs61751635, ClinGen allele CA2288145.